The following is an entry in ClinVar:

NM_000350.3(ABCA4):c.1336A>G (p.Thr446Ala)

Gene: ABCA4 (ATP binding cassette subfamily A member 4; minus strand). Cytogenetic location: 1p22.1.
Variant type: single nucleotide variant.
Coding change: c.1336A>G on transcript NM_000350.3 (MANE Select); coding-DNA position 1336, A replaced by G.
Protein change: p.Thr446Ala; replaces threonine 446 with alanine.
Molecular consequence: missense variant.
Genome position (GRCh38, 1-based): chr1:94,078,610, T>C on the plus strand (A>G on the coding strand, the complement: ABCA4 is on the minus strand). VCF-style: chr1-94078610-T-C. GRCh37 (hg19) VCF-style: chr1-94544166-T-C.
Other names: c.1336A>G, p.Thr446Ala (NM_001425324.1); short protein forms T446A.
Identifiers: ClinVar variation 2103040 (VCV002103040.3), dbSNP rs746685896, ClinGen allele CA958571.

ClinVar aggregate classification (germline): Uncertain significance. Review status: criteria provided, multiple submitters, no conflicts (2 of 4 stars). 2 submissions from 2 submitters: Uncertain significance (2). Last evaluated 2025-10-05.

Allele frequency attached by ClinVar (database versions not stated): ExAC 0.00001; gnomAD exomes 0.00001.
gnomAD v4.1: 14 of 1,326,364 alleles (0.0011%); highest among the groups gnomAD compares: South Asian, 0.01%; no homozygotes.

Submissions (2):

Labcorp Genetics (formerly Invitae), Labcorp
Classification: Uncertain significance. Last evaluated: 2025-10-05. Review status: criteria provided, single submitter. Criteria: Invitae Variant Classification Sherloc (09022015). Collection method: clinical testing. Allele origin: germline.
Comment: This sequence change replaces threonine, which is neutral and polar, with alanine, which is neutral and non-polar, at codon 446 of the ABCA4 protein (p.Thr446Ala). This variant is present in population databases (rs746685896, gnomAD 0.007%). This variant has not been reported in the literature in individuals affected with ABCA4-related conditions. ClinVar contains an entry for this variant (Variation ID: 2103040). Invitae Evidence Modeling of protein sequence and biophysical properties (such as structural, functional, and spatial information, amino acid conservation, physicochemical variation, residue mobility, and thermodynamic stability) indicates that this missense variant is not expected to disrupt ABCA4 protein function with a negative predictive value of 95%. In summary, the available evidence is currently insufficient to determine the role of this variant in disease. Therefore, it has been classified as a Variant of Uncertain Significance.

Blueprint Genetics
Classification: Uncertain significance. Last evaluated: 2020-09-08. Review status: criteria provided, single submitter. Criteria: ACMG Guidelines, 2015. Collection method: clinical testing. Allele origin: germline.